The following is an entry in ClinVar:

NM_014681.6(DHX34):c.2278C>T (p.Pro760Ser)

Gene: DHX34 (DExH-box helicase 34; plus strand). Cytogenetic location: 19q13.32.
Variant type: single nucleotide variant.
Coding change: c.2278C>T on transcript NM_014681.6 (MANE Select); coding-DNA position 2278, C replaced by T.
Protein change: p.Pro760Ser; replaces proline 760 with serine.
Molecular consequence: missense variant.
Genome position (GRCh38, 1-based): chr19:47,375,679, C>T. VCF-style: chr19-47375679-C-T. GRCh37 (hg19) VCF-style: chr19-47878936-C-T.
Other names: short protein forms P760S.
Identifiers: ClinVar variation 2330276 (VCV002330276.4), dbSNP rs564281782, ClinGen allele CA9538421.

ClinVar aggregate classification (germline): Uncertain significance. Review status: criteria provided, single submitter (1 of 4 stars). 2 submissions from 2 submitters: Uncertain significance (1). 1 of the submissions does not count toward it. Last evaluated 2021-09-01.

Conditions:
DHX34-related disorder. Also called: DHX34-related condition.

Allele frequency attached by ClinVar (database versions not stated): ExAC 0.00039; 1000 Genomes Project 30x 0.00047; 1000 Genomes Project 0.00060.
gnomAD v4.1: 303 of 1,557,386 alleles (0.019%); highest among the groups gnomAD compares: African/African-American, 0.29%; 1 homozygote.

Submissions (2):

Ambry Genetics
Classification: Uncertain significance. Last evaluated: 2021-09-01. Review status: criteria provided, single submitter. Criteria: Ambry Variant Classification Scheme 2023. Collection method: clinical testing. Allele origin: germline.

PreventionGenetics, part of Exact Sciences
Classification: Likely benign for DHX34-related condition. Last evaluated: 2022-08-22. Review status: no assertion criteria provided. Collection method: clinical testing. Allele origin: germline. Not counted in ClinVar's aggregate classification.
Comment: This variant is classified as likely benign based on ACMG/AMP sequence variant interpretation guidelines (Richards et al. 2015 PMID: 25741868, with internal and published modifications).